The following is an entry in ClinVar:

ClinVar aggregate classification (germline): Uncertain significance. Review status: criteria provided, multiple submitters, no conflicts (2 of 4 stars). 2 submissions from 2 submitters: Uncertain significance (2). Last evaluated 2024-03-08.

Allele frequency attached by ClinVar (database versions not stated): ExAC 0.00001; gnomAD exomes 0.00001 and 0.00002; TOPMed 0.00001.
gnomAD v4.1: 16 of 1,613,452 alleles (0.00099%); highest among the groups gnomAD compares: Non-Finnish European, 0.0013%; no homozygotes.

Submissions (2):

Blueprint Genetics
Classification: Uncertain significance. Last evaluated: 2024-03-08. Review status: criteria provided, single submitter. Criteria: ACMG Guidelines, 2015. Collection method: clinical testing. Allele origin: germline.

Labcorp Genetics (formerly Invitae), Labcorp
Classification: Uncertain significance. Last evaluated: 2022-10-08. Review status: criteria provided, single submitter. Criteria: Invitae Variant Classification Sherloc (09022015). Collection method: clinical testing. Allele origin: germline.
Comment: This sequence change replaces methionine, which is neutral and non-polar, with threonine, which is neutral and polar, at codon 288 of the UBA5 protein (p.Met288Thr). This variant is present in population databases (rs768509328, gnomAD 0.004%). This variant has not been reported in the literature in individuals affected with UBA5-related conditions. ClinVar contains an entry for this variant (Variation ID: 1429996). Advanced modeling of protein sequence and biophysical properties (such as structural, functional, and spatial information, amino acid conservation, physicochemical variation, residue mobility, and thermodynamic stability) performed at Invitae indicates that this missense variant is not expected to disrupt UBA5 protein function. In summary, the available evidence is currently insufficient to determine the role of this variant in disease. Therefore, it has been classified as a Variant of Uncertain Significance.

NM_024818.6(UBA5):c.863T>C (p.Met288Thr)

Genes: NPHP3-ACAD11 (NPHP3-ACAD11 readthrough (NMD candidate); minus strand), UBA5 (ubiquitin like modifier activating enzyme 5; plus strand). Cytogenetic location: 3q22.1.
Variant type: single nucleotide variant.
Coding change: c.863T>C on transcript NM_024818.6 (MANE Select); coding-DNA position 863, T replaced by C.
Protein change: p.Met288Thr; replaces methionine 288 with threonine.
Molecular consequence: missense variant.
Genome position (GRCh38, 1-based): chr3:132,675,298, T>C. VCF-style: chr3-132675298-T-C. GRCh37 (hg19) VCF-style: chr3-132394142-T-C.
Other names: c.695T>C, p.Met232Thr (NM_001320210.2, NM_198329.4); c.593T>C, p.Met198Thr (NM_001321238.2); c.527T>C, p.Met176Thr (NM_001321239.1); short protein forms M176T, M198T, M232T, M288T.
Identifiers: ClinVar variation 1429996 (VCV001429996.6), dbSNP rs768509328, ClinGen allele CA2621474.